The following is an entry in ClinVar:

NM_003235.5(TG):c.6988G>A (p.Val2330Met)

Gene: TG (thyroglobulin; plus strand). Cytogenetic location: 8q24.22.
Variant type: single nucleotide variant.
Coding change: c.6988G>A on transcript NM_003235.5 (MANE Select); coding-DNA position 6988, G replaced by A.
Protein change: p.Val2330Met; replaces valine 2330 with methionine.
Molecular consequence: missense variant.
Genome position (GRCh38, 1-based): chr8:133,022,102, G>A. VCF-style: chr8-133022102-G-A. GRCh37 (hg19) VCF-style: chr8-134034347-G-A.
Other names: short protein forms V2330M.
Identifiers: ClinVar variation 1028101 (VCV001028101.1), dbSNP rs752587385, ClinGen allele CA4885093.

ClinVar aggregate classification (germline): Uncertain significance (1 of 4 stars; one submission).

Conditions:
Iodotyrosyl coupling defect (TDH3). Also called: HYPOTHYROIDISM, CONGENITAL, DUE TO DYSHORMONOGENESIS, 3; THYROID HORMONOGENESIS, GENETIC DEFECT IN, 3. Identifiers: Orphanet 95716, MedGen C0342194, MONDO:0010135, OMIM 274700.

Allele frequency attached by ClinVar (database versions not stated): gnomAD exomes below 0.00001 and 0.00001; ExAC 0.00001; gnomAD 0.00001; TOPMed 0.00002.
gnomAD v4.1: 19 of 1,614,014 alleles (0.0012%); highest among the groups gnomAD compares: East Asian, 0.0045%; no homozygotes.

Submission:

Baylor Genetics
Classification: Uncertain significance for Iodotyrosyl coupling defect. Last evaluated: 2019-07-18. Review status: criteria provided, single submitter. Criteria: ACMG Guidelines, 2015. Collection method: clinical testing. Allele origin: unknown. Affected: yes.
Comment: This variant was determined to be of uncertain significance according to ACMG Guidelines, 2015 [PMID:25741868].